The following is an entry in ClinVar:

ClinVar aggregate classification (germline): Uncertain significance. Review status: criteria provided, multiple submitters, no conflicts (2 of 4 stars). 2 submissions from 2 submitters: Uncertain significance (2). Last evaluated 2026-07-21.

Conditions:
MAP1B-related disorder. Also called: MAP1B-related condition.
Inborn genetic diseases. Identifiers: MedGen C0950123, MeSH D030342.

Allele frequency attached by ClinVar (database versions not stated): gnomAD 0.00001; TOPMed 0.00001; gnomAD exomes 0.00002; ExAC 0.00005; ESP Exome Variant Server 0.00008.
gnomAD v4.1: 39 of 1,614,088 alleles (0.0024%); highest among the groups gnomAD compares: Non-Finnish European, 0.0029%; no homozygotes.

Submissions (2):

PreventionGenetics, part of Exact Sciences
Classification: Uncertain significance for MAP1B-related condition. Last evaluated: 2026-07-21. Review status: criteria provided, single submitter. Criteria: ACMG Guidelines, 2015. Collection method: clinical testing. Allele origin: germline.
Comment: The MAP1B c.5626G>A variant is predicted to result in the amino acid substitution p.Glu1876Lys. To our knowledge, this variant has not been reported in the literature. This variant is reported in 0.0070% of alleles in individuals of European (Non-Finnish) descent in gnomAD. At this time, the clinical significance of this variant is uncertain due to the absence of conclusive functional and genetic evidence.

Ambry Genetics
Classification: Uncertain significance for Inborn genetic diseases. Last evaluated: 2022-12-01. Review status: criteria provided, single submitter. Criteria: Ambry Variant Classification Scheme 2023. Collection method: clinical testing. Allele origin: germline.

NM_005909.5(MAP1B):c.5626G>A (p.Glu1876Lys)

Gene: MAP1B (microtubule associated protein 1B; plus strand). Cytogenetic location: 5q13.2.
Variant type: single nucleotide variant.
Coding change: c.5626G>A on transcript NM_005909.5 (MANE Select); coding-DNA position 5626, G replaced by A.
Protein change: p.Glu1876Lys; replaces glutamic acid 1876 with lysine.
Molecular consequence: missense variant.
Genome position (GRCh38, 1-based): chr5:72,198,981, G>A. VCF-style: chr5-72198981-G-A. GRCh37 (hg19) VCF-style: chr5-71494808-G-A.
Other names: c.5248G>A, p.Glu1750Lys (NM_001324255.2); c.5626G>A (NM_005909.4); short protein forms E1750K, E1876K.
Identifiers: ClinVar variation 2331097 (VCV002331097.3), dbSNP rs374709573, ClinGen allele CA3299353.